The following is an entry in ClinVar:

NC_000003.11:g.(?_148888289)_(148904456_?)del

Genes: CP (ceruloplasmin; minus strand), HPS3 (HPS3 biogenesis of lysosomal organelles complex 2 subunit 1; plus strand). Cytogenetic location: 3q24-25.1.
Variant type: Deletion.
Identifiers: ClinVar variation 3246876 (VCV003246876.1).

ClinVar aggregate classification (germline): Likely pathogenic (1 of 4 stars; one submission).

Conditions:
Deficiency of ferroxidase (ACEP). Also called: Aceruloplasminemia; Ceruloplasmin deficiency; Familial apoceruloplasmin deficiency; Hereditary ceruloplasmin deficiency; Deficiency of ceruloplasmin; NEURODEGENERATION WITH BRAIN IRON ACCUMULATION 10. Identifiers: Orphanet 48818, MedGen C0878682, MONDO:0011426, OMIM 604290, HP:0025498.

Submission:

Labcorp Genetics (formerly Invitae), Labcorp
Classification: Likely pathogenic for Deficiency of ferroxidase. Last evaluated: 2020-01-22. Review status: criteria provided, single submitter. Criteria: Invitae Variant Classification Sherloc (09022015). Collection method: clinical testing. Allele origin: unknown.
Comment: This variant has not been reported in the literature in individuals with CP-related conditions. In summary, the currently available evidence indicates that the variant is pathogenic, but additional data are needed to prove that conclusively. Therefore, this variant has been classified as Likely Pathogenic. This variant disrupts the p.Gly650 amino acid residue in CP. Other variant(s) that disrupt this residue have been determined to be pathogenic (PMID: 28012953, 12351628, 16629161, 19095659). This suggests that this residue is clinically significant, and that variants that disrupt this residue are likely to be disease-causing. Experimental studies and prediction algorithms are not available or were not evaluated, and the functional significance of this variant is currently unknown. This variant is a gross deletion of the genomic region encompassing part of exon 11 and exons 12-19 (c.1928_*3212delinsGGG) of the CP gene. The 5' boundary is likely confined to exon 11. The 3' end of this event is unknown as it extends through the termination codon beyond the assayed region for this gene and may encompass additional genes. While this deletion is not anticipated to result in nonsense mediated decay, it is expected to create a truncated protein product or disrupt mRNA translation.

Literature cited by the submitters: PubMed 28012953; PubMed 12351628; PubMed 16629161; PubMed 19095659.